The following is an entry in ClinVar:

ClinVar aggregate classification (germline): Uncertain significance (1 of 4 stars; one submission).

Submission:

Labcorp Genetics (formerly Invitae), Labcorp
Classification: Uncertain significance. Last evaluated: 2025-03-17. Review status: criteria provided, single submitter. Criteria: Invitae Variant Classification Sherloc (09022015). Collection method: clinical testing. Allele origin: germline.
Comment: This sequence change falls in intron 4 of the MYO6 gene. It does not directly change the encoded amino acid sequence of the MYO6 protein. It affects a nucleotide within the consensus splice site. This variant is not present in population databases (gnomAD no frequency). This variant has not been reported in the literature in individuals affected with MYO6-related conditions. Variants that disrupt the consensus splice site are a relatively common cause of aberrant splicing (PMID: 17576681, 9536098). Algorithms developed to predict the effect of sequence changes on RNA splicing suggest that this variant may disrupt the consensus splice site. In summary, the available evidence is currently insufficient to determine the role of this variant in disease. Therefore, it has been classified as a Variant of Uncertain Significance.

Literature cited by the submitters: PubMed 17576681; PubMed 9536098.

NM_004999.4(MYO6):c.261+3A>C

Gene: MYO6 (myosin VI; plus strand). Cytogenetic location: 6q14.1.
Variant type: single nucleotide variant.
Coding change: c.261+3A>C on transcript NM_004999.4 (MANE Select); 3 bases into the intron after coding-DNA position 261, A replaced by C.
Molecular consequence: intron variant.
Genome position (GRCh38, 1-based): chr6:75,828,616, A>C. VCF-style: chr6-75828616-A-C. GRCh37 (hg19) VCF-style: chr6-76538333-A-C.
Other names: c.261+3A>C (NM_001368865.1, NM_001368866.1, NM_001368137.1 and 5 more transcripts).
Identifiers: ClinVar variation 3725393 (VCV003725393.2).